The following is an entry in ClinVar:

ClinVar aggregate classification (germline): Uncertain significance (1 of 4 stars; one submission).

Submission:

Labcorp Genetics (formerly Invitae), Labcorp
Classification: Uncertain significance. Last evaluated: 2022-06-08. Review status: criteria provided, single submitter. Criteria: Invitae Variant Classification Sherloc (09022015). Collection method: clinical testing. Allele origin: germline.
Comment: In summary, the available evidence is currently insufficient to determine the role of this variant in disease. Therefore, it has been classified as a Variant of Uncertain Significance. Algorithms developed to predict the effect of missense changes on protein structure and function are either unavailable or do not agree on the potential impact of this missense change (SIFT: "Not Available"; PolyPhen-2: "Benign"; Align-GVGD: "Not Available"). This variant has not been reported in the literature in individuals affected with COX15-related conditions. This variant is not present in population databases (gnomAD no frequency). This sequence change replaces threonine, which is neutral and polar, with arginine, which is basic and polar, at codon 79 of the COX15 protein (p.Thr79Arg).

NM_078470.6(COX15):c.236C>G (p.Thr79Arg)

Gene: COX15 (cytochrome c oxidase assembly factor COX15; minus strand). Cytogenetic location: 10q24.2.
Variant type: single nucleotide variant.
Coding change: c.236C>G on transcript NM_078470.6 (MANE Select); coding-DNA position 236, C replaced by G.
Protein change: p.Thr79Arg; replaces threonine 79 with arginine.
Molecular consequence: missense variant. On other transcripts: 5 prime UTR variant (1), non-coding transcript variant (1).
Genome position (GRCh38, 1-based): chr10:99,729,589, G>C on the plus strand (C>G on the coding strand, the complement: COX15 is on the minus strand). VCF-style: chr10-99729589-G-C. GRCh37 (hg19) VCF-style: chr10-101489346-G-C.
Other names: c.236C>G, p.Thr79Arg (NM_001320974.2, NM_001320975.2, NM_001372024.1 and 5 more transcripts); c.-219C>G (NM_001320976.2); short protein forms T79R.
Identifiers: ClinVar variation 2129583 (VCV002129583.4), dbSNP rs2492735120, ClinGen allele CA378090018.